The following is an entry in ClinVar:

ClinVar aggregate classification (germline): Uncertain significance (1 of 4 stars; one submission).

Conditions:
Marfan syndrome (MFS). Also called: MARFAN SYNDROME, TYPE I; Marfan syndrome type 1; Marfan's syndrome; Marfan syndrome, classic; FBN1-Related Marfan Syndrome. Identifiers: Orphanet 284963, Orphanet 558, MedGen C0024796, MONDO:0007947, OMIM 154700.

gnomAD v4.1: 1 of 1,614,010 alleles (0.000062%); highest among the groups gnomAD compares: South Asian, 0.0011%; no homozygotes.

Submission:

All of Us Research Program, National Institutes of Health
Classification: Uncertain significance for Marfan syndrome. Last evaluated: 2023-04-03. Review status: criteria provided, single submitter. Criteria: ACMG Guidelines, 2015. Collection method: clinical testing. Allele origin: germline. Inheritance: Autosomal dominant inheritance. Observed: 1 variant allele, 1 heterozygote.
Comment: This missense variant replaces threonine with arginine at codon 2788 of the FBN1 protein. Computational prediction suggests that this variant may not impact protein structure and function (internally defined REVEL score threshold <= 0.5, PMID: 27666373). To our knowledge, functional studies have not been reported for this variant. This variant has not been reported in individuals affected with FBN1-related disorders in the literature. This variant has been identified in 1/251428 chromosomes in the general population by the Genome Aggregation Database (gnomAD). The available evidence is insufficient to determine the role of this variant in disease conclusively. Therefore, this variant is classified as a Variant of Uncertain Significance.

This study involves interpretation of variants in research participants for the purpose of population health screening. Participant phenotype was not available at the time of variant classification. Additional details can be found in publication PMID: 35346344, PMCID: PMC8962531

NM_000138.5(FBN1):c.8363C>G (p.Thr2788Arg)

Gene: FBN1 (fibrillin 1; minus strand). Cytogenetic location: 15q21.1.
Variant type: single nucleotide variant.
Coding change: c.8363C>G on transcript NM_000138.5 (MANE Select); coding-DNA position 8363, C replaced by G.
Protein change: p.Thr2788Arg; replaces threonine 2788 with arginine.
Molecular consequence: missense variant.
Genome position (GRCh38, 1-based): chr15:48,411,243, G>C on the plus strand (C>G on the coding strand, the complement: FBN1 is on the minus strand). VCF-style: chr15-48411243-G-C. GRCh37 (hg19) VCF-style: chr15-48703440-G-C.
Other names: c.8363C>G, p.Thr2788Arg (NM_001406716.1); short protein forms T2788R.
Identifiers: ClinVar variation 3070143 (VCV003070143.1), dbSNP rs143007898, ClinGen allele CA059959.